The following is an entry in ClinVar:

ClinVar aggregate classification (germline): Likely pathogenic (1 of 4 stars; one submission).

Submission:

Genetic Services Laboratory, University of Chicago
Classification: Likely pathogenic. Last evaluated: 2024-12-30. Review status: criteria provided, single submitter. Criteria: ACMG Guidelines, 2015. Collection method: clinical testing. Allele origin: germline. Affected: yes.
Comment: DNA sequence analysis of the TOE1 gene demonstrated a 2 base pair deletion in exon 5, c.373_374del. This sequence change results in an amino acid frameshift and creates a premature stop codon 35 amino acids downstream of the change, p.Leu125Alafs*35. This sequence change is predicted to result in an abnormal transcript, which may be degraded, or may lead to the production of a truncated TOE1 protein with potentially abnormal function. While this particular deletion has not previously been described in the literature, other deletions in the TOE1 gene have been described in several individuals with TOE1-related disorders (PMIDs: 28092684). This sequence change has been described in one individual the gnomAD database, corresponding to an overall population frequency of 0.0004% (dbSNP rs770878310). Taken together, the available evidence indicates that this sequence change is likely pathogenic.

NM_025077.4(TOE1):c.373_374del (p.Leu125fs)

Gene: TOE1 (target of EGR1, exonuclease; plus strand). Cytogenetic location: 1p34.1.
Variant type: Microsatellite.
Coding change: c.373_374del on transcript NM_025077.4 (MANE Select); coding-DNA positions 373 to 374, 2 bases deleted (CT; older notation c.373_374delCT).
Protein change: p.Leu125fs; shifts the reading frame from leucine 125.
Molecular consequence: frameshift variant.
Genome position (GRCh38, 1-based): chr1:45,341,988-45,341,989, CT deleted; deleting any 2 consecutive bases within chr1:45,341,986-45,341,989 gives the same sequence; the c. name uses the placement nearest the transcript's 3' end. VCF-style (leftmost placement, unchanged base first): chr1-45341985-ACT-A. GRCh37 (hg19) VCF-style: chr1-45807657-ACT-A.
Other names: short protein forms L125fs.
Identifiers: ClinVar variation 4082531 (VCV004082531.2).